The following is an entry in ClinVar:

ClinVar aggregate classification (germline): Likely benign (1 of 4 stars; one submission).

Conditions:
LRRC45-related disorder. Also called: LRRC45-related condition.

Submission:

PreventionGenetics, part of Exact Sciences
Classification: Likely benign for LRRC45-related condition. Last evaluated: 2024-10-16. Review status: criteria provided, single submitter. Criteria: ACMG Guidelines, 2015. Collection method: clinical testing. Allele origin: germline.
Comment: This variant is classified as likely benign based on ACMG/AMP sequence variant interpretation guidelines (Richards et al. 2015 PMID: 25741868, with internal and published modifications).

NM_144999.4(LRRC45):c.1329C>T (p.His443=)

Gene: LRRC45 (leucine rich repeat containing 45; plus strand). Cytogenetic location: 17q25.3.
Variant type: single nucleotide variant.
Coding change: c.1329C>T on transcript NM_144999.4 (MANE Select); coding-DNA position 1329, C replaced by T.
Protein change: p.His443=; no amino-acid change (histidine 443 retained).
Molecular consequence: synonymous variant.
Genome position (GRCh38, 1-based): chr17:82,029,113, C>T. VCF-style: chr17-82029113-C-T. GRCh37 (hg19) VCF-style: chr17-79986989-C-T.
Identifiers: ClinVar variation 4997004 (VCV004997004.1).